The following is an entry in ClinVar:

ClinVar aggregate classification (germline): Benign. Review status: criteria provided, single submitter (1 of 4 stars). 2 submissions from 1 submitter: Benign (2). Last evaluated 2018-01-12.

Conditions:
Histiocytic medullary reticulosis. Also called: Omenn syndrome; SEVERE COMBINED IMMUNODEFICIENCY WITH HYPEREOSINOPHILIA. Identifiers: Orphanet 39041, MedGen C2700553, MONDO:0011338, OMIM 603554.
Severe combined immunodeficiency, autosomal recessive, T cell-negative, B cell-negative, NK cell-positive. Also called: Severe combined immunodeficiency due to complete RAG1/2 deficiency; SCID, AR, T-cell negative, B-cell negative, NK cell-positive; SCID, T CELL-NEGATIVE, B CELL-NEGATIVE, NK CELL-POSITIVE. Identifiers: Orphanet 331206, MedGen C1832322, MONDO:0011086, OMIM 601457.

Allele frequency attached by ClinVar (database versions not stated): gnomAD 0.00130 and 0.00204; TOPMed 0.00144; 1000 Genomes Project 30x 0.00843; 1000 Genomes Project 0.00859.

Submissions (2):

Illumina Laboratory Services, Illumina
Classification: Benign for Severe combined immunodeficiency, autosomal recessive, T cell-negative, B cell-negative, NK cell-positive. Last evaluated: 2018-01-12. Review status: criteria provided, single submitter. Criteria: ICSL Variant Classification Criteria 13 December 2019. Collection method: clinical testing. Allele origin: germline.
Comment: This variant was observed in the ICSL laboratory as part of a predisposition screen in an ostensibly healthy population. It had not been previously curated by ICSL or reported in the Human Gene Mutation Database (HGMD: prior to June 1st, 2018), and was therefore a candidate for classification through an automated scoring system. Utilizing variant allele frequency, disease prevalence and penetrance estimates, and inheritance mode, an automated score was calculated to assess if this variant is too frequent to cause the disease. Based on the score and internal cut-off values, a variant classified as benign is not then subjected to further curation. The score for this variant resulted in a classification of benign for this disease.

Illumina Laboratory Services, Illumina
Classification: Benign for Histiocytic medullary reticulosis. Last evaluated: 2018-01-12. Review status: criteria provided, single submitter. Criteria: ICSL Variant Classification Criteria 13 December 2019. Collection method: clinical testing. Allele origin: germline.
Comment: the same text as in the submission from Illumina Laboratory Services, Illumina above.

NM_000448.3(RAG1):c.*2654A>G

Gene: RAG1 (recombination activating 1; plus strand). Cytogenetic location: 11p12.
Variant type: single nucleotide variant.
Coding change: c.*2654A>G on transcript NM_000448.3 (MANE Select); 2654 bases downstream of the stop codon, A replaced by G.
Molecular consequence: 3 prime UTR variant.
Genome position (GRCh38, 1-based): chr11:36,579,090, A>G. VCF-style: chr11-36579090-A-G. GRCh37 (hg19) VCF-style: chr11-36600640-A-G.
Other names: c.*2654A>G (NM_001377277.1, NM_001377278.1, NM_001377279.1 and 1 more transcripts).
Identifiers: ClinVar variation 879750 (VCV000879750.4), dbSNP rs369536926, ClinGen allele CA220567380.
Genomic context (GRCh38, chr11:36,579,090, plus strand): 5'-GGTCAAAAGGAGCCTTGGGATTAATAAACATGCACTGAGAAGCAAGAGGAGGAGAAAAAG[A>G]TGTCTTTTTCTTCCAGGTGAACTGGAATTTAGTTTTGCCTCAGATTTTTTTCCCACAAGA-3'